The following is an entry in ClinVar:

ClinVar aggregate classification (germline): Uncertain significance (1 of 4 stars; one submission).

Submission:

Athena Diagnostics
Classification: Uncertain significance. Last evaluated: 2023-03-30. Review status: criteria provided, single submitter. Criteria: Athena Diagnostics Criteria. Collection method: clinical testing. Allele origin: unknown.
Comment: Available data are insufficient to determine the clinical significance of the variant at this time. This variant has not been reported in large, multi-ethnic general populations. Computational tools predict that this variant is damaging.

NM_001164508.2(NEB):c.19904A>C (p.Asp6635Ala)

Gene: NEB (nebulin; minus strand). Cytogenetic location: 2q23.3.
Variant type: single nucleotide variant.
Coding change: c.19904A>C on transcript NM_001164508.2 (MANE Select); coding-DNA position 19904, A replaced by C.
Protein change: p.Asp6635Ala; replaces aspartic acid 6635 with alanine.
Molecular consequence: missense variant.
Genome position (GRCh38, 1-based): chr2:151,551,778, T>G on the plus strand (A>C on the coding strand, the complement: NEB is on the minus strand). VCF-style: chr2-151551778-T-G. GRCh37 (hg19) VCF-style: chr2-152408292-T-G.
Other names: c.19904A>C, p.Asp6635Ala (NM_001164507.2, NM_001271208.2); c.14801A>C, p.Asp4934Ala (NM_004543.5); short protein forms D4934A, D6635A.
Identifiers: ClinVar variation 2684274 (VCV002684274.1), dbSNP rs2552183824, ClinGen allele CA348787216.
Genomic context (GRCh38, chr2:151,551,778, plus strand): 5'-CTCAAGTTCTCACTGCTCACCGAACTCTGGAGCTTGTATGCATGAAGGGCCCGGTCCAGA[T>G]CCACGGTTTTGGTAGTTGGAGCCACTTTGCCTCTGACACTGTGCACATAGTCATAGTGGT-3'
Protein context (NP_001157980.2, residues 6625-6645): GKVAPTTKTV[Asp6635Ala]LDRALHAYKL